The following is an entry in ClinVar:

NM_198525.3(KIF7):c.2176G>C (p.Glu726Gln)

Gene: KIF7 (kinesin family member 7; minus strand). Cytogenetic location: 15q26.1.
Variant type: single nucleotide variant.
Coding change: c.2176G>C on transcript NM_198525.3 (MANE Select); coding-DNA position 2176, G replaced by C.
Protein change: p.Glu726Gln; replaces glutamic acid 726 with glutamine.
Molecular consequence: missense variant.
Genome position (GRCh38, 1-based): chr15:89,645,028, C>G on the plus strand (G>C on the coding strand, the complement: KIF7 is on the minus strand). VCF-style: chr15-89645028-C-G. GRCh37 (hg19) VCF-style: chr15-90188259-C-G.
Other names: short protein forms E726Q.
Identifiers: ClinVar variation 1443953 (VCV001443953.6), dbSNP rs543188623, ClinGen allele CA7728302.

ClinVar aggregate classification (germline): Uncertain significance (1 of 4 stars; one submission).

Conditions:
Acrocallosal syndrome (ACLS). Also called: HALLUX DUPLICATION, POSTAXIAL POLYDACTYLY, AND ABSENCE OF CORPUS CALLOSUM; Schinzel syndrome 1; Absence of corpus callosum with unusual facial appearance, mental deficiency, duplication of the halluces and polydactyly. Identifiers: Orphanet 36, MedGen C0796147, MONDO:0008708, OMIM 200990.

Allele frequency attached by ClinVar (database versions not stated): 1000 Genomes Project 30x 0.00031.
gnomAD v4.1: 4 of 1,608,120 alleles (0.00025%); highest among the groups gnomAD compares: East Asian, 0.0045%; no homozygotes.

Submission:

Labcorp Genetics (formerly Invitae), Labcorp
Classification: Uncertain significance for Acrocallosal syndrome. Last evaluated: 2022-10-24. Review status: criteria provided, single submitter. Criteria: Invitae Variant Classification Sherloc (09022015). Collection method: clinical testing. Allele origin: germline.
Comment: This sequence change replaces glutamic acid, which is acidic and polar, with glutamine, which is neutral and polar, at codon 726 of the KIF7 protein (p.Glu726Gln). This variant is not present in population databases (gnomAD no frequency). This variant has not been reported in the literature in individuals affected with KIF7-related conditions. ClinVar contains an entry for this variant (Variation ID: 1443953). Advanced modeling of protein sequence and biophysical properties (such as structural, functional, and spatial information, amino acid conservation, physicochemical variation, residue mobility, and thermodynamic stability) has been performed at Invitae for this missense variant, however the output from this modeling did not meet the statistical confidence thresholds required to predict the impact of this variant on KIF7 protein function. In summary, the available evidence is currently insufficient to determine the role of this variant in disease. Therefore, it has been classified as a Variant of Uncertain Significance.